The following is an entry in ClinVar:

NM_020812.4(DOCK6):c.358T>C (p.Trp120Arg)

Gene: DOCK6 (dedicator of cytokinesis 6; minus strand). Cytogenetic location: 19p13.2.
Variant type: single nucleotide variant.
Coding change: c.358T>C on transcript NM_020812.4 (MANE Select); coding-DNA position 358, T replaced by C.
Protein change: p.Trp120Arg; replaces tryptophan 120 with arginine.
Molecular consequence: missense variant.
Genome position (GRCh38, 1-based): chr19:11,252,501, A>G on the plus strand (T>C on the coding strand, the complement: DOCK6 is on the minus strand). VCF-style: chr19-11252501-A-G. GRCh37 (hg19) VCF-style: chr19-11363177-A-G.
Other names: c.358T>C, p.Trp120Arg (NM_001367830.1); short protein forms W120R.
Identifiers: ClinVar variation 1952501 (VCV001952501.5), dbSNP rs369962295, ClinGen allele CA9208534.
Genomic context (GRCh38, chr19:11,252,501, plus strand): 5'-TGGGTTCCGAACCCCCTGAGCTGCCCCTAAGTCAGACTCACCTTCTGTGGACAATGACCC[A>G]GTCCTCAATATACATCTCCACCGCGGCCCTCACCTGGGCATCCAGTTTTCTGCAGCAAAA-3'
Protein context (NP_065863.2, residues 110-130): RAAVEMYIED[Trp120Arg]VIVHRRYQYL

ClinVar aggregate classification (germline): Uncertain significance (1 of 4 stars; one submission).

Allele frequency attached by ClinVar (database versions not stated): TOPMed 0.00004; gnomAD 0.00005; ExAC 0.00007; gnomAD exomes 0.00007; ESP Exome Variant Server 0.00008.
gnomAD v4.1: 106 of 1,613,752 alleles (0.0066%); highest among the groups gnomAD compares: Non-Finnish European, 0.0086%; no homozygotes.

Submission:

Labcorp Genetics (formerly Invitae), Labcorp
Classification: Uncertain significance. Last evaluated: 2022-09-07. Review status: criteria provided, single submitter. Criteria: Invitae Variant Classification Sherloc (09022015). Collection method: clinical testing. Allele origin: germline.
Comment: In summary, the available evidence is currently insufficient to determine the role of this variant in disease. Therefore, it has been classified as a Variant of Uncertain Significance. Algorithms developed to predict the effect of sequence changes on RNA splicing suggest that this variant may disrupt the consensus splice site. Algorithms developed to predict the effect of missense changes on protein structure and function are either unavailable or do not agree on the potential impact of this missense change (SIFT: "Deleterious"; PolyPhen-2: "Probably Damaging"; Align-GVGD: "Class C0"). This variant has not been reported in the literature in individuals affected with DOCK6-related conditions. This variant is present in population databases (rs369962295, gnomAD 0.01%). This sequence change replaces tryptophan, which is neutral and slightly polar, with arginine, which is basic and polar, at codon 120 of the DOCK6 protein (p.Trp120Arg).